The following is an entry in ClinVar:

ClinVar aggregate classification (germline): Pathogenic/Likely pathogenic. Review status: criteria provided, multiple submitters, no conflicts (2 of 4 stars). 5 submissions from 5 submitters: Pathogenic (4); Likely pathogenic (1). Last evaluated 2022-03-15.

Conditions:
Neurofibromatosis, type 1 (NF1). Also called: NEUROFIBROMATOSIS, TYPE I, SOMATIC; VON RECKLINGHAUSEN DISEASE; Peripheral type neurofibromatosis; Neurofibromatosis, type I. Identifiers: Orphanet 636, MedGen C0027831, MONDO:0018975, OMIM 162200. Disease mechanism: loss of function.

Submissions (5):

Genome-Nilou Lab
Classification: Pathogenic for Neurofibromatosis, type 1. Last evaluated: 2022-03-15. Review status: criteria provided, single submitter. Criteria: ACMG Guidelines, 2015. Collection method: clinical testing. Allele origin: germline. Affected: no.

Athena Diagnostics
Classification: Pathogenic. Last evaluated: 2021-03-11. Review status: criteria provided, single submitter. Criteria: Athena Diagnostics criteria. Collection method: clinical testing. Allele origin: unknown.
Comment: This variant is expected to result in the loss of a functional protein. This variant has not been reported in large, multi-ethnic general populations. This variant has been identified in at least one individual with clinical features associated with this gene.

Quest Diagnostics Nichols Institute San Juan Capistrano
Classification: Pathogenic. Last evaluated: 2021-03-11. Review status: criteria provided, single submitter. Criteria: Quest Diagnostics criteria. Collection method: clinical testing. Allele origin: unknown.
Comment: The NF1 c.6606C>A (p.Cys2202*) nonsense variant causes the premature termination of NF1 protein synthesis. It has not been reported in large, multi-ethnic general populations. In the published literature, the variant has been reported in individuals with NF1 (PMID: 23913538 (2013)) or clinical features associated with NF1 (PMID: 31370276 (2019)). Based on the available information, this variant is classified as pathogenic.

Labcorp Genetics (formerly Invitae), Labcorp
Classification: Pathogenic for Neurofibromatosis, type 1. Last evaluated: 2020-06-17. Review status: criteria provided, single submitter. Criteria: Invitae Variant Classification Sherloc (09022015). Collection method: clinical testing. Allele origin: germline.
Comment: This sequence change creates a premature translational stop signal (p.Cys2202*) in the NF1 gene. It is expected to result in an absent or disrupted protein product. This variant is not present in population databases (ExAC no frequency). This variant has been observed in individual(s) with clinical features of neurofibromatosis type 1 (PMID: 31370276, 23913538). ClinVar contains an entry for this variant (Variation ID: 547678). Loss-of-function variants in NF1 are known to be pathogenic (PMID: 10712197, 23913538). For these reasons, this variant has been classified as Pathogenic.

Center for Human Genetics, Inc
Classification: Likely pathogenic for Neurofibromatosis, type 1. Last evaluated: 2016-11-01. Review status: criteria provided, single submitter. Criteria: ACMG Guidelines, 2015. Collection method: clinical testing. Allele origin: germline. Affected: yes.

Literature cited by the submitters: PubMed 23913538 (cited by 3 submitters); PubMed 31370276 (cited by 3 submitters); PubMed 10712197 (cited by Labcorp Genetics (formerly Invitae), Labcorp).

NM_001042492.3(NF1):c.6669C>A (p.Cys2223Ter)

Gene: NF1 (neurofibromin 1; plus strand). Cytogenetic location: 17q11.2.
Variant type: single nucleotide variant.
Coding change: c.6669C>A on transcript NM_001042492.3 (MANE Select); coding-DNA position 6669, C replaced by A.
Protein change: p.Cys2223Ter; replaces cysteine 2223 with a stop codon.
Molecular consequence: nonsense.
Genome position (GRCh38, 1-based): chr17:31,337,845, C>A. VCF-style: chr17-31337845-C-A. GRCh37 (hg19) VCF-style: chr17-29664863-C-A.
Other names: c.6606C>A, p.Cys2202Ter (NM_000267.4); short protein forms C2202*, C2223*.
Identifiers: ClinVar variation 547678 (VCV000547678.5), dbSNP rs1555534918, ClinGen allele CA399013798.